The following is an entry in ClinVar:

ClinVar aggregate classification (germline): Uncertain significance. Review status: criteria provided, multiple submitters, no conflicts (2 of 4 stars). 3 submissions from 3 submitters: Uncertain significance (3). Last evaluated 2022-05-03.

Submissions (3):

Revvity Omics, Revvity
Classification: Uncertain significance. Last evaluated: 2022-05-03. Review status: criteria provided, single submitter. Criteria: ACMG Guidelines, 2015. Collection method: clinical testing. Allele origin: germline.

Athena Diagnostics
Classification: Uncertain significance. Last evaluated: 2018-04-16. Review status: criteria provided, single submitter. Criteria: Athena Diagnostics Criteria. Collection method: clinical testing. Allele origin: germline.

GeneDx
Classification: Uncertain significance. Last evaluated: 2017-09-12. Review status: criteria provided, single submitter. Criteria: GeneDx Variant Classification (06012015). Collection method: clinical testing. Allele origin: germline. Affected: yes.
Comment: The c.12129_12137delAGAGCAAAC variant has not been published as a pathogenic variant, nor has it been reported as a benign variant to our knowledge. This variant is not observed in large population cohorts (Lek et al., 2016; 1000 Genomes Consortium et al., 2015; Exome Variant Server). The c.12129_12137delAGAGCAAAC variant results in an in-frame deletion of 3 amino acids, denoted p.Glu4044_Thr4046del. However, other in-frame deletions have not been reported in the Human Gene Mutation Database in association with SYNE1-related disorders (Stenson et al., 2014).

NM_182961.4(SYNE1):c.12342_12350del (p.Glu4115_Thr4117del)

Gene: SYNE1 (spectrin repeat containing nuclear envelope protein 1; minus strand). Cytogenetic location: 6q25.2.
Variant type: Deletion.
Coding change: c.12342_12350del on transcript NM_182961.4 (MANE Select); coding-DNA positions 12342 to 12350, 9 bases deleted (AGAGCAAAC; older notation c.12342_12350delAGAGCAAAC).
Protein change: p.Glu4115_Thr4117del.
Molecular consequence: inframe deletion.
Genome position (GRCh38, 1-based): chr6:152,339,242-152,339,250, GTTTGCTCT deleted on the plus strand (AGAGCAAAC on the coding strand, the reverse complement: SYNE1 is on the minus strand); deleting any 9 consecutive bases within chr6:152,339,242-152,339,255 gives the same sequence; the c. name uses the placement nearest the transcript's 3' end. VCF-style (leftmost placement, unchanged base first): chr6-152339241-CGTTTGCTCT-C. GRCh37 (hg19) VCF-style: chr6-152660376-CGTTTGCTCT-C.
Other names: c.12129_12137del (NM_033071.3); c.12129_12137delAGAGCAAAC (NM_033071.3); c.12129_12137del, p.Glu4044_Thr4046del (NM_033071.5).
Identifiers: ClinVar variation 451939 (VCV000451939.6), dbSNP rs749906433, ClinGen allele CA4056436.